The following is an entry in ClinVar:

ClinVar aggregate classification (germline): Likely benign. Review status: criteria provided, multiple submitters, no conflicts (2 of 4 stars). 3 submissions from 3 submitters: Likely benign (3). Last evaluated 2025-12-22.

Conditions:
Congenital sideroblastic anemia-B-cell immunodeficiency-periodic fever-developmental delay syndrome. Also called: Sideroblastic anemia with B-cell immunodeficiency, periodic fevers, and developmental delay. Identifiers: Orphanet 369861, MedGen C4015172, MONDO:0014487, OMIM 616084.
Retinitis pigmentosa and erythrocytic microcytosis (RPEM). Identifiers: MedGen C4310776, MONDO:0014850, OMIM 616959.

Allele frequency attached by ClinVar (database versions not stated): gnomAD exomes 0.00003 and 0.00006; ExAC 0.00009; gnomAD 0.00031 and 0.00034; TOPMed 0.00032; ESP Exome Variant Server 0.00038; 1000 Genomes Project 0.00040; 1000 Genomes Project 30x 0.00047.
gnomAD v4.1: 83 of 1,610,088 alleles (0.0052%); highest among the groups gnomAD compares: African/African-American, 0.1%; no homozygotes.

Submissions (3):

Labcorp Genetics (formerly Invitae), Labcorp
Classification: Likely benign for Congenital sideroblastic anemia-B-cell immunodeficiency-periodic fever-developmental delay syndrome. Last evaluated: 2025-12-22. Review status: criteria provided, single submitter. Criteria: Invitae Variant Classification Sherloc (09022015). Collection method: clinical testing. Allele origin: germline.

Fulgent Genetics
Classification: Likely benign for Congenital sideroblastic anemia-B-cell immunodeficiency-periodic fever-developmental delay syndrome; Retinitis pigmentosa and erythrocytic microcytosis. Last evaluated: 2021-11-23. Review status: criteria provided, single submitter. Criteria: ACMG Guidelines, 2015. Collection method: clinical testing. Allele origin: unknown.

GeneDx
Classification: Likely benign. Last evaluated: 2017-05-01. Review status: criteria provided, single submitter. Criteria: GeneDx Variant Classification (06012015). Collection method: clinical testing. Allele origin: germline. Affected: yes.
Comment: This variant is considered likely benign or benign based on one or more of the following criteria: it is a conservative change, it occurs at a poorly conserved position in the protein, it is predicted to be benign by multiple in silico algorithms, and/or has population frequency not consistent with disease.

NM_182916.3(TRNT1):c.343-14G>A

Gene: TRNT1 (tRNA nucleotidyl transferase 1; plus strand). Cytogenetic location: 3p26.2.
Variant type: single nucleotide variant.
Coding change: c.343-14G>A on transcript NM_182916.3 (MANE Select); 14 bases into the intron before coding-DNA position 343, G replaced by A.
Molecular consequence: intron variant.
Genome position (GRCh38, 1-based): chr3:3,140,496, G>A. VCF-style: chr3-3140496-G-A. GRCh37 (hg19) VCF-style: chr3-3182180-G-A.
Other names: c.343-14G>A (NM_001367321.1, NM_001367323.1, NM_001367322.1 and 2 more transcripts).
Identifiers: ClinVar variation 508755 (VCV000508755.9), dbSNP rs373630283, ClinGen allele CA2228625.